The following is an entry in ClinVar:

ClinVar aggregate classification (germline): Uncertain significance (1 of 4 stars; one submission).

Allele frequency attached by ClinVar (database versions not stated): gnomAD exomes below 0.00001.

Submission:

Labcorp Genetics (formerly Invitae), Labcorp
Classification: Uncertain significance. Last evaluated: 2024-10-23. Review status: criteria provided, single submitter. Criteria: Invitae Variant Classification Sherloc (09022015). Collection method: clinical testing. Allele origin: germline.
Comment: This variant, c.195_197del, results in the deletion of 1 amino acid(s) of the NEDD4L protein (p.Ile66del), but otherwise preserves the integrity of the reading frame. This variant is not present in population databases (gnomAD no frequency). This variant has not been reported in the literature in individuals affected with NEDD4L-related conditions. Experimental studies and prediction algorithms are not available or were not evaluated, and the functional significance of this variant is currently unknown. In summary, the available evidence is currently insufficient to determine the role of this variant in disease. Therefore, it has been classified as a Variant of Uncertain Significance.

NM_001144967.3(NEDD4L):c.195_197del (p.Ile66del)

Gene: NEDD4L (NEDD4 like E3 ubiquitin protein ligase; plus strand). Cytogenetic location: 18q21.31.
Variant type: Deletion.
Coding change: c.195_197del on transcript NM_001144967.3 (MANE Select); coding-DNA positions 195 to 197, 3 bases deleted (AAT; older notation c.195_197delAAT).
Protein change: p.Ile66del; deletes isoleucine 66.
Molecular consequence: inframe deletion. On other transcripts: 5 prime UTR variant (5).
Genome position (GRCh38, 1-based): chr18:58,245,499-58,245,501, AAT deleted. VCF-style (leftmost placement, unchanged base first): chr18-58245498-CAAT-C. GRCh37 (hg19) VCF-style: chr18-55912730-CAAT-C.
Other names: c.-169_-167del (NM_001144964.1, NM_001144965.2, NM_001144966.3 and 2 more transcripts); c.171_173del, p.Ile58del (NM_001144968.2, NM_001144969.2); c.195_197del, p.Ile66del (NM_001243960.2, NM_015277.6); short protein forms I58del, I66del.
Identifiers: ClinVar variation 2785532 (VCV002785532.3), dbSNP rs2513449774, ClinGen allele CA2576513084.